The following is an entry in ClinVar:

NM_199420.4(POLQ):c.255C>G (p.His85Gln)

Gene: POLQ (DNA polymerase theta; minus strand). Cytogenetic location: 3q13.33.
Variant type: single nucleotide variant.
Coding change: c.255C>G on transcript NM_199420.4 (MANE Select); coding-DNA position 255, C replaced by G.
Protein change: p.His85Gln; replaces histidine 85 with glutamine.
Molecular consequence: missense variant.
Genome position (GRCh38, 1-based): chr3:121,544,815, G>C on the plus strand (C>G on the coding strand, the complement: POLQ is on the minus strand). VCF-style: chr3-121544815-G-C. GRCh37 (hg19) VCF-style: chr3-121263662-G-C.
Other names: short protein forms H85Q.
Identifiers: ClinVar variation 1793063 (VCV001793063.2), dbSNP rs2546827934, ClinGen allele CA354094589.
Genomic context (GRCh38, chr3:121,544,815, plus strand): 5'-GACTTGTCCAAGCAAAAGGCACTCTGCCTGCCATTCAAACATCTTTTTTACACCAAAACT[G>C]TGGTATTTTTCCAGAACTGCTTTAGGAAGTCCCCAGTTTGCCAATAGTAGCTTGTCTCTT-3'
Protein context (NP_955452.3, residues 75-95): GLPKAVLEKY[His85Gln]SFGVKKMFEW

ClinVar aggregate classification (germline): Uncertain significance (1 of 4 stars; one submission).

Submission:

Ambry Genetics
Classification: Uncertain significance. Last evaluated: 2022-03-11. Review status: criteria provided, single submitter. Criteria: Ambry Variant Classification Scheme 2023. Collection method: clinical testing. Allele origin: germline.
Comment: The p.H85Q variant (also known as c.255C>G), located in coding exon 2 of the POLQ gene, results from a C to G substitution at nucleotide position 255. The histidine at codon 85 is replaced by glutamine, an amino acid with highly similar properties. This amino acid position is conserved. In addition, this alteration is predicted to be tolerated by in silico analysis. Since supporting evidence is limited at this time, the clinical significance of this alteration remains unclear.